The following is an entry in ClinVar:

ClinVar aggregate classification (germline): Uncertain significance. Review status: criteria provided, multiple submitters, no conflicts (2 of 4 stars). 2 submissions from 2 submitters: Uncertain significance (2). Last evaluated 2025-04-17.

Conditions:
Inborn genetic diseases. Identifiers: MedGen C0950123, MeSH D030342.

Allele frequency attached by ClinVar (database versions not stated): gnomAD exomes 0.00001; gnomAD 0.00002; ExAC 0.00001; TOPMed 0.00002; ESP Exome Variant Server 0.00008.
gnomAD v4.1: 14 of 1,613,604 alleles (0.00087%); highest among the groups gnomAD compares: Admixed American, 0.0067%; no homozygotes.

Submissions (2):

Ambry Genetics
Classification: Uncertain significance for Inborn genetic diseases. Last evaluated: 2025-04-17. Review status: criteria provided, single submitter. Criteria: Ambry Variant Classification Scheme 2023. Collection method: clinical testing. Allele origin: germline.

Labcorp Genetics (formerly Invitae), Labcorp
Classification: Uncertain significance. Last evaluated: 2022-06-11. Review status: criteria provided, single submitter. Criteria: Invitae Variant Classification Sherloc (09022015). Collection method: clinical testing. Allele origin: germline.
Comment: Algorithms developed to predict the effect of missense changes on protein structure and function (SIFT, PolyPhen-2, Align-GVGD) all suggest that this variant is likely to be disruptive. In summary, the available evidence is currently insufficient to determine the role of this variant in disease. Therefore, it has been classified as a Variant of Uncertain Significance. This variant has not been reported in the literature in individuals affected with DYNC2LI1-related conditions. This variant is present in population databases (rs374265551, gnomAD 0.008%). This sequence change replaces glycine, which is neutral and non-polar, with serine, which is neutral and polar, at codon 88 of the DYNC2LI1 protein (p.Gly88Ser).

NM_016008.4(DYNC2LI1):c.262G>A (p.Gly88Ser)

Gene: DYNC2LI1 (dynein cytoplasmic 2 light intermediate chain 1; plus strand). Cytogenetic location: 2p21.
Variant type: single nucleotide variant.
Coding change: c.262G>A on transcript NM_016008.4 (MANE Select); coding-DNA position 262, G replaced by A.
Protein change: p.Gly88Ser; replaces glycine 88 with serine.
Molecular consequence: missense variant.
Genome position (GRCh38, 1-based): chr2:43,789,663, G>A. VCF-style: chr2-43789663-G-A. GRCh37 (hg19) VCF-style: chr2-44016802-G-A.
Other names: c.262G>A, p.Gly88Ser (NM_001193464.2, NM_001348912.2, NM_001348913.2 and 1 more transcripts); c.262G>A (NM_001193464.1); short protein forms G88S.
Identifiers: ClinVar variation 1477418 (VCV001477418.8), dbSNP rs374265551, ClinGen allele CA1635763.